The following is an entry in ClinVar:

NM_001267550.2(TTN):c.63335C>T (p.Pro21112Leu)

Genes: TTN (titin; minus strand), TTN-AS1 (TTN antisense RNA 1; plus strand). Cytogenetic location: 2q31.2.
Variant type: single nucleotide variant.
Coding change: c.63335C>T on transcript NM_001267550.2 (MANE Select); coding-DNA position 63335, C replaced by T.
Protein change: p.Pro21112Leu; replaces proline 21112 with leucine.
Molecular consequence: missense variant.
Genome position (GRCh38, 1-based): chr2:178,588,072, G>A on the plus strand (C>T on the coding strand, the complement: TTN is on the minus strand). VCF-style: chr2-178588072-G-A. GRCh37 (hg19) VCF-style: chr2-179452799-G-A.
Other names: c.58412C>T, p.Pro19471Leu (NM_001256850.1); c.36140C>T, p.Pro12047Leu (NM_003319.4); c.55631C>T, p.Pro18544Leu (NM_133378.4); c.36515C>T, p.Pro12172Leu (NM_133432.3); c.36716C>T, p.Pro12239Leu (NM_133437.4); short protein forms P12239L, P19471L, P18544L, P21112L, P12047L, P12172L.
Identifiers: ClinVar variation 1733256 (VCV001733256.2), dbSNP rs758801950, ClinGen allele CA1992101.
Genomic context (GRCh38, chr2:178,588,072, plus strand): 5'-ACAGTGAATTCCTTGCGTACAAGCTGTGCTGCAGCATTACACCGTTTCCAGCCTTCATCA[G>A]GAGACGCATCTGCTATTTTTGGTCTCATTTCCACAACATATCCAATGATCGGTGCACCAC-3'
Protein context (NP_001254479.2, residues 21102-21122): EMRPKIADAS[Pro21112Leu]DEGWKRCNAA

ClinVar aggregate classification (germline): Uncertain significance (1 of 4 stars; one submission).

Conditions:
Cardiovascular phenotype. Identifiers: MedGen CN230736.

Allele frequency attached by ClinVar (database versions not stated): ExAC 0.00001; TOPMed 0.00001; gnomAD exomes 0.00005.
gnomAD v4.1: 70 of 1,612,936 alleles (0.0043%); highest among the groups gnomAD compares: Non-Finnish European, 0.0057%; no homozygotes.

Submission:

Ambry Genetics
Classification: Uncertain significance for Cardiovascular phenotype. Last evaluated: 2018-09-20. Review status: criteria provided, single submitter. Criteria: Ambry Variant Classification Scheme 2023. Collection method: clinical testing. Allele origin: germline.
Comment: The p.P12047L variant (also known as c.36140C>T), located in coding exon 132 of the TTN gene, results from a C to T substitution at nucleotide position 36140. The proline at codon 12047 is replaced by leucine, an amino acid with similar properties. This amino acid position is highly conserved in available vertebrate species. In addition, this alteration is predicted to be tolerated by in silico analysis. Since supporting evidence is limited at this time, the clinical significance of this alteration remains unclear.